The following is an entry in ClinVar:

NC_000012.12:g.(?_132679487)_(132681289_?)del

Gene: POLE (DNA polymerase epsilon, catalytic subunit; minus strand). Cytogenetic location: 12q24.33.
Variant type: Deletion.
Identifiers: ClinVar variation 830907 (VCV000830907.5).

ClinVar aggregate classification (germline): Uncertain significance (1 of 4 stars; one submission).

Submission:

Labcorp Genetics (formerly Invitae), Labcorp
Classification: Uncertain significance. Last evaluated: 2023-05-01. Review status: criteria provided, single submitter. Criteria: Invitae Variant Classification Sherloc (09022015). Collection method: clinical testing. Allele origin: germline.
Comment: This variant is a gross deletion of the genomic region encompassing exon(s) 2-6 of the POLE gene. This variant would be expected to be in-frame, preserving the integrity of the reading frame. In summary, the available evidence is currently insufficient to determine the role of this variant in disease. Therefore, it has been classified as a Variant of Uncertain Significance. Experimental studies and prediction algorithms are not available or were not evaluated, and the functional significance of this variant is currently unknown. This variant has not been reported in the literature in individuals affected with POLE-related conditions.